The following is an entry in ClinVar:

ClinVar aggregate classification (germline): Uncertain significance (1 of 4 stars; one submission).

Submission:

Ambry Genetics
Classification: Uncertain significance. Last evaluated: 2025-05-31. Review status: criteria provided, single submitter. Criteria: Ambry Variant Classification Scheme 2023. Collection method: clinical testing. Allele origin: germline.
Comment: The p.K457N variant (also known as c.1371A>T), located in coding exon 14 of the SRP72 gene, results from an A to T substitution at nucleotide position 1371. The lysine at codon 457 is replaced by asparagine, an amino acid with similar properties. This amino acid position is conserved. In addition, this alteration is predicted to be tolerated by in silico analysis. Based on the available evidence, the clinical significance of this variant remains unclear.

NM_006947.4(SRP72):c.1371A>T (p.Lys457Asn)

Gene: SRP72 (signal recognition particle 72; plus strand). Cytogenetic location: 4q12.
Variant type: single nucleotide variant.
Coding change: c.1371A>T on transcript NM_006947.4 (MANE Select); coding-DNA position 1371, A replaced by T.
Protein change: p.Lys457Asn; replaces lysine 457 with asparagine.
Molecular consequence: missense variant. On other transcripts: non-coding transcript variant (1).
Genome position (GRCh38, 1-based): chr4:56,490,383, A>T. VCF-style: chr4-56490383-A-T. GRCh37 (hg19) VCF-style: chr4-57356549-A-T.
Other names: c.1188A>T, p.Lys396Asn (NM_001267722.2); short protein forms K457N, K396N.
Identifiers: ClinVar variation 3962130 (VCV003962130.1).